The following is an entry in ClinVar:

NM_001386140.1(MTTP):c.2165G>A (p.Gly722Asp)

Gene: MTTP (microsomal triglyceride transfer protein; plus strand). Cytogenetic location: 4q23.
Variant type: single nucleotide variant.
Coding change: c.2165G>A on transcript NM_001386140.1 (MANE Select); coding-DNA position 2165, G replaced by A.
Protein change: p.Gly722Asp; replaces glycine 722 with aspartic acid.
Molecular consequence: missense variant.
Genome position (GRCh38, 1-based): chr4:99,613,088, G>A. VCF-style: chr4-99613088-G-A. GRCh37 (hg19) VCF-style: chr4-100534245-G-A.
Other names: c.2165G>A, p.Gly722Asp (NM_000253.4); c.1916G>A, p.Gly639Asp (NM_001300785.2); c.2165G>A (NM_000253.2); short protein forms G639D, G722D.
Identifiers: ClinVar variation 989816 (VCV000989816.4), dbSNP rs1419028802, ClinGen allele CA357517279.

ClinVar aggregate classification (germline): Uncertain significance. Review status: criteria provided, multiple submitters, no conflicts (2 of 4 stars). 3 submissions from 3 submitters: Uncertain significance (2). 1 of the submissions does not count toward it. Last evaluated 2024-04-04.

Conditions:
Inborn genetic diseases. Identifiers: MedGen C0950123, MeSH D030342.
Abetalipoproteinaemia (ABL). Also called: MTP DEFICIENCY; Abetalipoproteinemia; Abetalipoproteinemia neuropathy; Apolipoprotein B deficiency; Congenital betalipoprotein deficiency syndrome. Identifiers: Orphanet 14, MedGen C0000744, MONDO:0008692, OMIM 200100, HP:0008181.

Allele frequency attached by ClinVar (database versions not stated): gnomAD exomes below 0.00001; gnomAD 0.00002; TOPMed 0.00008.
gnomAD v4.1: 6 of 1,613,884 alleles (0.00037%); highest among the groups gnomAD compares: Admixed American, 0.0083%; no homozygotes.

Submissions (3):

Ambry Genetics
Classification: Uncertain significance for Inborn genetic diseases. Last evaluated: 2024-04-04. Review status: criteria provided, single submitter. Criteria: Ambry Variant Classification Scheme 2023. Collection method: clinical testing. Allele origin: germline.

Labcorp Genetics (formerly Invitae), Labcorp
Classification: Uncertain significance. Last evaluated: 2022-11-01. Review status: criteria provided, single submitter. Criteria: Invitae Variant Classification Sherloc (09022015). Collection method: clinical testing. Allele origin: germline.
Comment: This sequence change replaces glycine, which is neutral and non-polar, with aspartic acid, which is acidic and polar, at codon 722 of the MTTP protein (p.Gly722Asp). This variant is present in population databases (no rsID available, gnomAD no frequency). This variant has not been reported in the literature in individuals affected with MTTP-related conditions. ClinVar contains an entry for this variant (Variation ID: 989816). Advanced modeling of protein sequence and biophysical properties (such as structural, functional, and spatial information, amino acid conservation, physicochemical variation, residue mobility, and thermodynamic stability) performed at Invitae indicates that this missense variant is not expected to disrupt MTTP protein function. In summary, the available evidence is currently insufficient to determine the role of this variant in disease. Therefore, it has been classified as a Variant of Uncertain Significance.

Natera, Inc.
Classification: Uncertain significance for Abetalipoproteinemia. Last evaluated: 2020-05-19. Review status: no assertion criteria provided. Collection method: clinical testing. Allele origin: germline. Not counted in ClinVar's aggregate classification.